The following is an entry in ClinVar:

NM_001347886.2(DNAH3):c.10310A>G (p.Lys3437Arg)

Gene: DNAH3 (dynein axonemal heavy chain 3; minus strand). Cytogenetic location: 16p12.3.
Variant type: single nucleotide variant.
Coding change: c.10310A>G on transcript NM_001347886.2 (MANE Select); coding-DNA position 10310, A replaced by G.
Protein change: p.Lys3437Arg; replaces lysine 3437 with arginine.
Molecular consequence: missense variant.
Genome position (GRCh38, 1-based): chr16:20,963,436, T>C on the plus strand (A>G on the coding strand, the complement: DNAH3 is on the minus strand). VCF-style: chr16-20963436-T-C. GRCh37 (hg19) VCF-style: chr16-20974758-T-C.
Other names: c.10448A>G, p.Lys3483Arg (NM_017539.2); short protein forms K3437R, K3483R.
Identifiers: ClinVar variation 4976507 (VCV004976507.1).

ClinVar aggregate classification (germline): Uncertain significance (1 of 4 stars; one submission).

gnomAD v4.1: 4 of 1,614,142 alleles (0.00025%); highest among the groups gnomAD compares: Non-Finnish European, 0.00034%; no homozygotes.

Submission:

GeneDx
Classification: Uncertain significance. Last evaluated: 2026-03-16. Review status: criteria provided, single submitter. Criteria: GeneDx Variant Classification Process June 2021. Collection method: clinical testing. Allele origin: germline.
Comment: Not observed at significant frequency in large population cohorts (gnomAD); In silico analysis supports that this missense variant has a deleterious effect on protein structure/function; Has not been previously published as pathogenic or benign to our knowledge